The following is an entry in ClinVar:

NM_004650.3(PNPLA4):c.241G>A (p.Val81Ile)

Genes: PNPLA4 (patatin like domain 4, phospholipase and triacylglycerol lipase; minus strand), LOC126863198 (BRD4-independent group 4 enhancer GRCh37_chrX:7889540-7890739; plus strand). Cytogenetic location: Xp22.31.
Variant type: single nucleotide variant.
Coding change: c.241G>A on transcript NM_004650.3 (MANE Select); coding-DNA position 241, G replaced by A.
Protein change: p.Val81Ile; replaces valine 81 with isoleucine.
Molecular consequence: missense variant. On other transcripts: 5 prime UTR variant (1).
Genome position (GRCh38, 1-based): chrX:7,922,038, C>T on the plus strand (G>A on the coding strand, the complement: PNPLA4 is on the minus strand). VCF-style: chrX-7922038-C-T. GRCh37 (hg19) VCF-style: chrX-7890079-C-T.
Other names: c.241G>A, p.Val81Ile (NM_001142389.2); c.-21G>A (NM_001172672.2); c.241G>A (NM_004650.2); short protein forms V81I.
Identifiers: ClinVar variation 2659921 (VCV002659921.25), dbSNP rs367756179, ClinGen allele CA10342840.

ClinVar aggregate classification (germline): Uncertain significance. Review status: criteria provided, multiple submitters, no conflicts (2 of 4 stars). 2 submissions from 2 submitters: Uncertain significance (2). Last evaluated 2026-03-27.

Allele frequency attached by ClinVar (database versions not stated): TOPMed below 0.00001; ExAC 0.00001; gnomAD 0.00001; gnomAD exomes 0.00001; ESP Exome Variant Server 0.00009.
gnomAD v4.1: 10 of 1,207,256 alleles (0.00083%); highest among the groups gnomAD compares: Non-Finnish European, 0.001%; no homozygotes.

Submissions (2):

Ambry Genetics
Classification: Uncertain significance. Last evaluated: 2026-03-27. Review status: criteria provided, single submitter. Criteria: Ambry Variant Classification Scheme 2023. Collection method: clinical testing. Allele origin: germline.

CeGaT Center for Human Genetics Tuebingen
Classification: Uncertain significance. Last evaluated: 2023-08-01. Review status: criteria provided, single submitter. Criteria: CeGaT Center For Human Genetics Tuebingen Variant Classification Criteria Version 2. Collection method: clinical testing. Allele origin: germline. Affected: yes. Observed: 1 variant allele.
Comment: PNPLA4: PM2, BP4